The following is an entry in ClinVar:

NM_000543.5(SMPD1):c.319-17C>A

Gene: SMPD1 (sphingomyelin phosphodiesterase 1; plus strand). Cytogenetic location: 11p15.4.
Variant type: single nucleotide variant.
Coding change: c.319-17C>A on transcript NM_000543.5 (MANE Select); 17 bases into the intron before coding-DNA position 319, C replaced by A.
Molecular consequence: intron variant.
Genome position (GRCh38, 1-based): chr11:6,391,367, C>A. VCF-style: chr11-6391367-C-A. GRCh37 (hg19) VCF-style: chr11-6412597-C-A.
Other names: p.?; c.-643-17C>A (NM_001318088.2); c.319-17C>A (NM_001365135.2, NM_001318087.2); c.319-20C>A (NM_001007593.3).
Identifiers: ClinVar variation 286870 (VCV000286870.14), dbSNP rs148370501, ClinGen allele CA5852568.

ClinVar aggregate classification (germline): Conflicting classifications of pathogenicity. Review status: criteria provided, conflicting classifications (1 of 4 stars). 4 submissions from 4 submitters: Uncertain significance (1); Likely benign (3). Last evaluated 2026-02-04.

Conditions:
Niemann-Pick disease, type A. Also called: Infantile Neurovisceral ASMD (Niemann-Pick Disease Type A; NPD-A); SPHINGOMYELIN LIPIDOSIS; SPHINGOMYELINASE DEFICIENCY. Identifiers: Orphanet 77292, MedGen C0268242, MONDO:0009756, OMIM 257200. Disease mechanism: loss of function.
Niemann-Pick disease, type B. Also called: Chronic Visceral ASMD (Niemann-Pick Disease Type B; NPD-B). Identifiers: Orphanet 77293, MedGen C0268243, MONDO:0011871, OMIM 607616. Disease mechanism: loss of function.

Allele frequency attached by ClinVar (database versions not stated): 1000 Genomes Project 30x 0.00016; 1000 Genomes Project 0.00020; gnomAD 0.00048; ESP Exome Variant Server 0.00077.

Submissions (4):

Labcorp Genetics (formerly Invitae), Labcorp
Classification: Likely benign for Niemann-Pick disease, type B; Niemann-Pick disease, type A. Last evaluated: 2026-02-04. Review status: criteria provided, single submitter. Criteria: Invitae Variant Classification Sherloc (09022015). Collection method: clinical testing. Allele origin: germline.

Mayo Clinic Laboratories, Mayo Clinic
Classification: Likely benign. Last evaluated: 2025-10-03. Review status: criteria provided, single submitter. Criteria: ACMG Guidelines, 2015. Collection method: clinical testing. Allele origin: germline. Observed: 1 variant allele.
Comment: BP4, BP7

Blueprint Genetics
Classification: Likely benign. Last evaluated: 2024-11-04. Review status: criteria provided, single submitter. Criteria: ACMG Guidelines, 2015. Collection method: clinical testing. Allele origin: germline.

Eurofins Ntd Llc (ga)
Classification: Uncertain significance. Last evaluated: 2016-03-14. Review status: criteria provided, single submitter. Criteria: EGL Classification Definitions 2015. Collection method: clinical testing. Allele origin: germline. Observed: 1 variant allele, 1 heterozygote.